The following is an entry in ClinVar:

ClinVar aggregate classification (germline): Benign (0 of 4 stars; one submission).

Conditions:
HR-related disorder. Also called: HR-related condition; HR-related disorders. Identifiers: MedGen CN239293.

Allele frequency attached by ClinVar (database versions not stated): ESP Exome Variant Server 0.00031; 1000 Genomes Project 0.00060; 1000 Genomes Project 30x 0.00062.

Submission:

PreventionGenetics, part of Exact Sciences
Classification: Benign for HR-related condition. Last evaluated: 2019-06-10. Review status: no assertion criteria provided. Collection method: clinical testing. Allele origin: germline.
Comment: This variant is classified as benign based on ACMG/AMP sequence variant interpretation guidelines (Richards et al. 2015 PMID: 25741868, with internal and published modifications).

NM_005144.5(HR):c.119C>T (p.Pro40Leu)

Gene: HR (HR lysine demethylase and nuclear receptor corepressor; minus strand). Cytogenetic location: 8p21.3.
Variant type: single nucleotide variant.
Coding change: c.119C>T on transcript NM_005144.5 (MANE Select); coding-DNA position 119, C replaced by T.
Protein change: p.Pro40Leu; replaces proline 40 with leucine.
Molecular consequence: missense variant.
Genome position (GRCh38, 1-based): chr8:22,129,052, G>A on the plus strand (C>T on the coding strand, the complement: HR is on the minus strand). VCF-style: chr8-22129052-G-A. GRCh37 (hg19) VCF-style: chr8-21986565-G-A.
Other names: c.119C>T, p.Pro40Leu (NM_018411.4); short protein forms P40L.
Identifiers: ClinVar variation 3034243 (VCV003034243.2), dbSNP rs192616892, ClinGen allele CA4662789.